The following is an entry in ClinVar:

NM_012431.3(SEMA3E):c.1888G>A (p.Asp630Asn)

Gene: SEMA3E (semaphorin 3E; minus strand). Cytogenetic location: 7q21.11.
Variant type: single nucleotide variant.
Coding change: c.1888G>A on transcript NM_012431.3 (MANE Select); coding-DNA position 1888, G replaced by A.
Protein change: p.Asp630Asn; replaces aspartic acid 630 with asparagine.
Molecular consequence: missense variant.
Genome position (GRCh38, 1-based): chr7:83,368,026, C>T on the plus strand (G>A on the coding strand, the complement: SEMA3E is on the minus strand). VCF-style: chr7-83368026-C-T. GRCh37 (hg19) VCF-style: chr7-82997342-C-T.
Other names: c.1708G>A, p.Asp570Asn (NM_001178129.2); short protein forms D630N, D570N.
Identifiers: ClinVar variation 3668689 (VCV003668689.2).

ClinVar aggregate classification (germline): Uncertain significance (1 of 4 stars; one submission).

Conditions:
CHARGE syndrome (CHARGE). Also called: Hittner Hirsch Kreh syndrome; CHARGE ASSOCIATION--COLOBOMA, HEART ANOMALY, CHOANAL ATRESIA, RETARDATION, GENITAL AND EAR ANOMALIES; Coloboma, heart anomaly, choanal atresia, retardation, genital and ear anomalies; CHARGE association; Hall-Hittner syndrome. Identifiers: Orphanet 138, MedGen C0265354, MONDO:0008965.

gnomAD v4.1: 3 of 1,613,914 alleles (0.00019%); highest among the groups gnomAD compares: Non-Finnish European, 0.00025%; no homozygotes.

Submission:

Labcorp Genetics (formerly Invitae), Labcorp
Classification: Uncertain significance for CHARGE syndrome. Last evaluated: 2026-01-26. Review status: criteria provided, single submitter. Criteria: Invitae Variant Classification Sherloc (09022015). Collection method: clinical testing. Allele origin: germline.
Comment: This sequence change replaces aspartic acid, which is acidic and polar, with asparagine, which is neutral and polar, at codon 630 of the SEMA3E protein (p.Asp630Asn). This variant is present in population databases (no rsID available, gnomAD 0.0009%). This variant has not been reported in the literature in individuals affected with SEMA3E-related conditions. ClinVar contains an entry for this variant (Variation ID: 3668689). Invitae Evidence Modeling of protein sequence and biophysical properties (such as structural, functional, and spatial information, amino acid conservation, physicochemical variation, residue mobility, and thermodynamic stability) indicates that this missense variant is not expected to disrupt SEMA3E protein function with a negative predictive value of 80%. In summary, the available evidence is currently insufficient to determine the role of this variant in disease. Therefore, it has been classified as a Variant of Uncertain Significance.